The following is an entry in ClinVar:

NM_000051.4(ATM):c.3919G>A (p.Gly1307Arg)

Gene: ATM (ATM serine/threonine kinase; plus strand). Cytogenetic location: 11q22.3.
Variant type: single nucleotide variant.
Coding change: c.3919G>A on transcript NM_000051.4 (MANE Select); coding-DNA position 3919, G replaced by A.
Protein change: p.Gly1307Arg; replaces glycine 1307 with arginine.
Molecular consequence: missense variant.
Genome position (GRCh38, 1-based): chr11:108,284,399, G>A. VCF-style: chr11-108284399-G-A. GRCh37 (hg19) VCF-style: chr11-108155126-G-A.
Other names: NP_000042.3:p.Gly1307Arg; c.3919G>A, p.Gly1307Arg (NM_001351834.2); short protein forms G1307R.
Identifiers: ClinVar variation 142243 (VCV000142243.34), dbSNP rs568451087, ClinGen allele CA167867.
Genomic context (GRCh38, chr11:108,284,399, plus strand): 5'-TTTCCAAAGATTCTTGTAAATATTCTTCCTTATTTTGCCTATGAGGGTACCAGAGACAGT[G>A]GGATGGCACAGCAAAGAGAGACTGCTACCAAGGTCTATGATATGCTTAAAAGTGAAAACT-3'
Protein context (NP_000042.3, residues 1297-1317): YFAYEGTRDS[Gly1307Arg]MAQQRETATK

ClinVar aggregate classification (germline): Conflicting classifications of pathogenicity. Review status: criteria provided, conflicting classifications (1 of 4 stars). 14 submissions from 14 submitters: Uncertain significance (1); Benign (3); Likely benign (9). 1 of the submissions does not count toward it. Last evaluated 2026-03-13.

Conditions:
Hereditary cancer-predisposing syndrome. Also called: Tumor predisposition; Hereditary Cancer Syndrome; Neoplastic Syndromes, Hereditary; Hereditary neoplastic syndrome. Identifiers: Orphanet 140162, MedGen C0027672, MeSH D009386, MONDO:0015356.
Breast and/or ovarian cancer. Identifiers: MedGen CN221562.
Hereditary breast ovarian cancer syndrome. Also called: Breast and ovarian cancer; Hereditary breast and/or ovarian cancer syndrome; Hereditary breast and ovarian cancer syndrome (HBOC); BRCA1- and BRCA2-Associated Hereditary Breast and Ovarian Cancer; Hereditary breast and ovarian cancer; Hereditary breast and ovarian cancer syndrome. Identifiers: Orphanet 145, MedGen C0677776, MeSH D061325, MONDO:0003582. Disease mechanism: loss of function.
Familial cancer of breast. Also called: hereditary breast carcinoma; BREAST CANCER, FAMILIAL; Hereditary breast cancer. Identifiers: Orphanet 227535, MedGen C0346153, MONDO:0016419, OMIM 114480. Disease mechanism: loss of function.
Ataxia-telangiectasia syndrome (AT). Also called: Ataxia-telangiectasia, complementation group D; Ataxia-telangiectasia, complementation group E; LOUIS-BAR SYNDROME; Ataxia telangiectasia (A-T); AT, COMPLEMENTATION GROUP C; ATAXIA-TELANGIECTASIA, COMPLEMENTATION GROUP A. Identifiers: Orphanet 100, MedGen C0004135, MONDO:0008840, OMIM 208900.
Malignant tumor of breast. Also called: Malignant breast neoplasm; Cancer breast. Identifiers: MedGen C0006142, MONDO:0007254. Disease mechanism: loss of function.

Allele frequency attached by ClinVar (database versions not stated): gnomAD below 0.00001 and 0.00007; TOPMed 0.00002; gnomAD exomes 0.00019 and 0.00036; ExAC 0.00043; 1000 Genomes Project 30x 0.00062; 1000 Genomes Project 0.00080.
gnomAD v4.1: 295 of 1,613,892 alleles (0.018%); highest among the groups gnomAD compares: South Asian, 0.31%; 4 homozygotes.

Submissions (14):

German Consortium for Hereditary Breast and Ovarian Cancer, University Hospital Cologne
Classification: Likely benign for Hereditary breast ovarian cancer syndrome. Last evaluated: 2026-03-13. Review status: criteria provided, single submitter. Criteria: ClinGen ATM V1.5.0. Collection method: curation. Allele origin: germline.
Comment: This classification follows the ClinGen ACMG ATM v1.5.0 classification scheme; We chose these criteria: BP4 (supporting benign): REVEL 0,134, BS1 (strong benign): gnomAD v4.1.0 Grpmax Filtering AF = 0.002758 (= 0.28%; thus > 0.05%) 2x homozygot in gnomAD v2.1.1 (controls)

Labcorp Genetics (formerly Invitae), Labcorp
Classification: Benign for Ataxia-telangiectasia syndrome. Last evaluated: 2026-02-02. Review status: criteria provided, single submitter. Criteria: Invitae Variant Classification Sherloc (09022015). Collection method: clinical testing. Allele origin: germline.

Center for Genomic Medicine, Rigshospitalet, Copenhagen University Hospital
Classification: Likely benign. Last evaluated: 2025-12-29. Review status: criteria provided, single submitter. Criteria: ACMG Guidelines, 2015. Collection method: clinical testing. Allele origin: germline.
Comment: Classification criteria: BS1

KCCC/NGS Laboratory, Kuwait Cancer Control Center
Classification: Benign for Familial cancer of breast. Last evaluated: 2025-02-01. Review status: criteria provided, single submitter. Criteria: ACMG Guidelines, 2015. Collection method: clinical testing. Allele origin: germline. Affected: no.

Blueprint Genetics
Classification: Likely benign. Last evaluated: 2024-11-07. Review status: criteria provided, single submitter. Criteria: ACMG Guidelines, 2015. Collection method: clinical testing. Allele origin: germline.

Color Diagnostics, LLC DBA Color Health
Classification: Benign for Hereditary cancer-predisposing syndrome. Last evaluated: 2024-09-18. Review status: criteria provided, single submitter. Criteria: ACMG Guidelines, 2015. Collection method: clinical testing. Allele origin: germline.

Myriad Genetics, Inc.
Classification: Likely benign for Familial cancer of breast. Last evaluated: 2024-05-15. Review status: criteria provided, single submitter. Criteria: Myriad Autosomal Dominant, Autosomal Recessive and X-Linked Classification Criteria (2023). Collection method: clinical testing. Allele origin: unknown.
Comment: This variant is considered likely benign. This variant is strongly associated with less severe personal and family histories of cancer, typical for individuals without pathogenic variants in this gene [PMID: 25085752].

National Health Laboratory Service, Universitas Academic Hospital and University of the Free State
Classification: Likely benign for Hereditary breast ovarian cancer syndrome. Last evaluated: 2022-04-19. Review status: criteria provided, single submitter. Criteria: ACMG Guidelines, 2015. Collection method: clinical testing. Allele origin: germline. Affected: yes. Observed: 1 variant allele.

GeneDx
Classification: Likely benign. Last evaluated: 2020-11-27. Review status: criteria provided, single submitter. Criteria: GeneDx Variant Classification Process June 2021. Collection method: clinical testing. Allele origin: germline. Affected: yes.

Women's Health and Genetics/Laboratory Corporation of America, LabCorp
Classification: Likely benign. Last evaluated: 2020-09-14. Review status: criteria provided, single submitter. Criteria: LabCorp Variant Classification Summary - May 2015. Collection method: clinical testing. Allele origin: germline.
Comment: Variant summary: ATM c.3919G>A (p.Gly1307Arg) results in a non-conservative amino acid change in the encoded protein sequence. Four of five in-silico tools predict a benign effect of the variant on protein function. The variant allele was found at a frequency of 0.00036 in 251256 control chromosomes, predominantly at a frequency of 0.0029 within the South Asian subpopulation in the gnomAD database, including 2 homozygotes. The observed variant frequency within South Asian control individuals in the gnomAD database is approximately 3-fold of the estimated maximal expected allele frequency for a pathogenic variant in ATM causing Breast Cancer phenotype (0.001), strongly suggesting that the variant is a benign polymorphism found primarily in populations of South Asian origin. c.3919G>A has been reported in the literature in individuals affected with cancer including low grade glioma and breast cancer (e.g. Shayeghi_1998, Lu_2015, Mandelker_2017) but was also reported in non-cancer controls (e.g. Pritchard_2018). These reports do not provide unequivocal conclusions about association of the variant with Breast Cancer. One submitter in LOVD reports co-occurrence of the variant with 2 undefined pathogenic variants and classifies it as benign. To our knowledge, no experimental evidence demonstrating an impact on protein function has been reported. Four ClinVar submitters (evaluation after 2014) cite the variant as benign/likely benign and one ClinVar submitter (evaluation after 2014) cites the variant as uncertain significance. Based on the evidence outlined above, the variant was classified as likely benign.

CHEO Genetics Diagnostic Laboratory, Children's Hospital of Eastern Ontario
Classification: Likely benign for Breast and/or ovarian cancer. Last evaluated: 2019-08-19. Review status: criteria provided, single submitter. Criteria: ACMG Guidelines, 2015. Collection method: clinical testing. Allele origin: germline.

Ambry Genetics
Classification: Likely benign for Hereditary cancer-predisposing syndrome. Last evaluated: 2019-02-22. Review status: criteria provided, single submitter. Criteria: Ambry Variant Classification Scheme 2023. Collection method: clinical testing. Allele origin: germline.

Illumina Laboratory Services, Illumina
Classification: Uncertain significance for Ataxia-telangiectasia syndrome. Last evaluated: 2018-01-13. Review status: criteria provided, single submitter. Criteria: ICSL Variant Classification Criteria 13 December 2019. Collection method: clinical testing. Allele origin: germline.

Department of Pathology and Laboratory Medicine, Sinai Health System
Classification: Likely benign for Malignant tumor of breast. Review status: no assertion criteria provided. Collection method: clinical testing. Allele origin: unknown. Affected: yes. Study: The Canadian Open Genetics Repository (COGR). Not counted in ClinVar's aggregate classification.
Comment: The ATM p.Gly1307Arg variant was not identified in the literature nor was it identified in the GeneInsight-COGR, Cosmic, or MutDB databases. The variant was identified in dbSNP (ID: rs568451087) as "With Likely benign allele", ClinVar (classified as likely benign by Ambry Genetics, Invitae, and GeneDx), and LOVD 3.0 (1x) databases. The variant was identified in control databases in 94 of 276986 chromosomes (2 homozygous) at a frequency of 0.0003 (Genome Aggregation Database Feb 27, 2017). The variant was identified in the following populations: South Asian in 92 of 30782 chromosomes (freq: 0.003), Other in 1 of 6458 chromosomes (freq: 0.0002), and East Asian in 1 of 18852 chromosomes (freq: 0.0001), while the variant was not observed in the African, Latino, European, Ashkenazi Jewish, or Finnish populations. The p.Gly1307 residue is not conserved in mammals and four out of five computational analyses (PolyPhen-2, SIFT, AlignGVGD, BLOSUM, MutationTaster) do not suggest a high likelihood of impact to the protein; however, this information is not predictive enough to rule out pathogenicity. The variant occurs outside of the splicing consensus sequence and 2 of 5 in silico or computational prediction software programs (SpliceSiteFinder, MaxEntScan, NNSPLICE, GeneSplicer, HumanSpliceFinder) predict a greater than 10% difference in splicing; this is not very predictive of pathogenicity. In summary, based on the above information, the clinical significance of this variant cannot be determined with certainty at this time although we would lean towards a more benign role for this variant. This variant is classified as likely benign.

Literature cited by the submitters: PubMed 25085752 (cited by Myriad Genetics, Inc.); PubMed 26689913 (cited by Women's Health and Genetics/Laboratory Corporation of America, LabCorp); PubMed 28873162 (cited by Women's Health and Genetics/Laboratory Corporation of America, LabCorp); PubMed 29641532 (cited by Women's Health and Genetics/Laboratory Corporation of America, LabCorp); PubMed 9764584 (cited by Women's Health and Genetics/Laboratory Corporation of America, LabCorp).